The following is an entry in ClinVar:

ClinVar aggregate classification (germline): Uncertain significance (1 of 4 stars; one submission).

Submission:

Dasa
Classification: Uncertain significance. Last evaluated: 2025-07-07. Review status: criteria provided, single submitter. Criteria: DASA Assertion Criteria. Collection method: clinical testing. Allele origin: germline.
Comment: NM_020708.5(SLC12A5):c.1928A>T (p.Asp643Val) is a missense variant that results in the substitution of aspartic acid with valine. This variant is absent from population databases. Computational prediction algorithms are consistent with a deleterious effect. The currently available literature and clinical evidence are not sufficient to establish a definitive association between this variant and the reported condition. Therefore, this variant is classified as a variant of uncertain significance.

NM_020708.5(SLC12A5):c.1928A>T (p.Asp643Val)

Gene: SLC12A5 (solute carrier family 12 member 5; plus strand). Cytogenetic location: 20q13.12.
Variant type: single nucleotide variant.
Coding change: c.1928A>T on transcript NM_020708.5 (MANE Select); coding-DNA position 1928, A replaced by T.
Protein change: p.Asp643Val; replaces aspartic acid 643 with valine.
Molecular consequence: missense variant.
Genome position (GRCh38, 1-based): chr20:46,048,001, A>T. VCF-style: chr20-46048001-A-T. GRCh37 (hg19) VCF-style: chr20-44676640-A-T.
Other names: c.1997A>T, p.Asp666Val (NM_001134771.2); short protein forms D643V, D666V.
Identifiers: ClinVar variation 5020918 (VCV005020918.1).